The following is an entry in ClinVar:

ClinVar aggregate classification (germline): Uncertain significance (1 of 4 stars; one submission).

Allele frequency attached by ClinVar (database versions not stated): TOPMed below 0.00001.
gnomAD v4.1: 7 of 1,584,508 alleles (0.00044%); highest among the groups gnomAD compares: African/African-American, 0.0013%; no homozygotes.

Submission:

Labcorp Genetics (formerly Invitae), Labcorp
Classification: Uncertain significance. Last evaluated: 2023-03-08. Review status: criteria provided, single submitter. Criteria: Invitae Variant Classification Sherloc (09022015). Collection method: clinical testing. Allele origin: germline.
Comment: In summary, the available evidence is currently insufficient to determine the role of this variant in disease. Therefore, it has been classified as a Variant of Uncertain Significance. An algorithm developed to predict the effect of missense changes on protein structure and function (PolyPhen-2) suggests that this variant is likely to be disruptive. This variant has not been reported in the literature in individuals affected with FSCN2-related conditions. The frequency data for this variant in the population databases is considered unreliable, as metrics indicate poor data quality at this position in the gnomAD database. This sequence change replaces glutamic acid, which is acidic and polar, with lysine, which is basic and polar, at codon 158 of the FSCN2 protein (p.Glu158Lys).

NM_012418.4(FSCN2):c.472G>A (p.Glu158Lys)

Gene: FSCN2 (fascin actin-bundling protein 2, retinal; plus strand). Cytogenetic location: 17q25.3.
Variant type: single nucleotide variant.
Coding change: c.472G>A on transcript NM_012418.4 (MANE Select); coding-DNA position 472, G replaced by A.
Protein change: p.Glu158Lys; replaces glutamic acid 158 with lysine.
Molecular consequence: missense variant.
Genome position (GRCh38, 1-based): chr17:81,529,003, G>A. VCF-style: chr17-81529003-G-A. GRCh37 (hg19) VCF-style: chr17-79496029-G-A.
Other names: c.472G>A, p.Glu158Lys (NM_001077182.3); short protein forms E158K.
Identifiers: ClinVar variation 3006624 (VCV003006624.3), dbSNP rs1319124844, ClinGen allele CA401471164.